The following is an entry in ClinVar:

ClinVar aggregate classification (germline): Uncertain significance (1 of 4 stars; one submission).

Conditions:
Holoprosencephaly 9 (HPE9). Also called: HOLOPROSENCEPHALY WITH MICROPHTHALMIA AND FIRST BRANCHIAL ARCH ANOMALIES; PITUITARY ANOMALIES WITH HOLOPROSENCEPHALY-LIKE FEATURES. Identifiers: Orphanet 2162, MedGen C1835819, MONDO:0012563, OMIM 610829.
Postaxial polydactyly-anterior pituitary anomalies-facial dysmorphism syndrome. Also called: Culler-Jones syndrome. Identifiers: Orphanet 420584, MedGen C4014479, MONDO:0014369, OMIM 615849.

Allele frequency attached by ClinVar (database versions not stated): gnomAD 0.00002; gnomAD exomes 0.00002; ExAC 0.00004; ESP Exome Variant Server 0.00008; 1000 Genomes Project 30x 0.00016; 1000 Genomes Project 0.00020.
gnomAD v4.1: 27 of 1,613,444 alleles (0.0017%); highest among the groups gnomAD compares: South Asian, 0.0099%; no homozygotes.

Submission:

Labcorp Genetics (formerly Invitae), Labcorp
Classification: Uncertain significance for Postaxial polydactyly-anterior pituitary anomalies-facial dysmorphism syndrome; Holoprosencephaly 9. Last evaluated: 2024-01-09. Review status: criteria provided, single submitter. Criteria: Invitae Variant Classification Sherloc (09022015). Collection method: clinical testing. Allele origin: germline.
Comment: This sequence change replaces alanine, which is neutral and non-polar, with threonine, which is neutral and polar, at codon 188 of the GLI2 protein (p.Ala188Thr). This variant is present in population databases (rs138974360, gnomAD 0.02%). This variant has not been reported in the literature in individuals affected with GLI2-related conditions. Algorithms developed to predict the effect of missense changes on protein structure and function output the following: SIFT: "Not Available"; PolyPhen-2: "Benign"; Align-GVGD: "Not Available". The threonine amino acid residue is found in multiple mammalian species, which suggests that this missense change does not adversely affect protein function. In summary, the available evidence is currently insufficient to determine the role of this variant in disease. Therefore, it has been classified as a Variant of Uncertain Significance.

NM_001374353.1(GLI2):c.562G>A (p.Ala188Thr)

Gene: GLI2 (GLI family zinc finger 2; plus strand). Cytogenetic location: 2q14.2.
Variant type: single nucleotide variant.
Coding change: c.562G>A on transcript NM_001374353.1 (MANE Select); coding-DNA position 562, G replaced by A.
Protein change: p.Ala188Thr; replaces alanine 188 with threonine.
Molecular consequence: missense variant.
Genome position (GRCh38, 1-based): chr2:120,955,349, G>A. VCF-style: chr2-120955349-G-A. GRCh37 (hg19) VCF-style: chr2-121712925-G-A.
Other names: c.562G>A, p.Ala188Thr (NM_001371271.1, NM_005270.5); c.187G>A, p.Ala63Thr (NM_001374354.1); short protein forms A188T, A63T.
Identifiers: ClinVar variation 2929582 (VCV002929582.3), dbSNP rs138974360, ClinGen allele CA1851570.